The following is an entry in ClinVar:

NM_014712.3(SETD1A):c.2353C>T (p.Leu785Phe)

Gene: SETD1A (SET domain containing 1A, histone lysine methyltransferase; plus strand). Cytogenetic location: 16p11.2.
Variant type: single nucleotide variant.
Coding change: c.2353C>T on transcript NM_014712.3 (MANE Select); coding-DNA position 2353, C replaced by T.
Protein change: p.Leu785Phe; replaces leucine 785 with phenylalanine.
Molecular consequence: missense variant.
Genome position (GRCh38, 1-based): chr16:30,966,234, C>T. VCF-style: chr16-30966234-C-T. GRCh37 (hg19) VCF-style: chr16-30977555-C-T.
Other names: short protein forms L785F.
Identifiers: ClinVar variation 3233972 (VCV003233972.2), dbSNP rs753264252, ClinGen allele CA8016912.

ClinVar aggregate classification (germline): Uncertain significance (1 of 4 stars; one submission).

Allele frequency attached by ClinVar (database versions not stated): ExAC 0.00001; gnomAD exomes 0.00001; TOPMed 0.00002; gnomAD 0.00003.

Submission:

Women's Health and Genetics/Laboratory Corporation of America, LabCorp
Classification: Uncertain significance. Last evaluated: 2024-03-14. Review status: criteria provided, single submitter. Criteria: LabCorp Variant Classification Summary - May 2015. Collection method: clinical testing. Allele origin: germline.
Comment: Variant summary: SETD1A c.2353C>T (p.Leu785Phe) results in a non-conservative amino acid change in the encoded protein sequence. Four of five in-silico tools predict a benign effect of the variant on protein function. The variant allele was found at a frequency of 1.2e-05 in 248834 control chromosomes (gnomAD). The available data on variant occurrences in the general population are insufficient to allow any conclusion about variant significance. To our knowledge, no occurrence of c.2353C>T in individuals affected with Neurodevelopmental Disorder With Speech Impairment And Dysmorphic Facies and no experimental evidence demonstrating its impact on protein function have been reported. No submitters have cited clinical-significance assessments for this variant to ClinVar. Based on the evidence outlined above, the variant was classified as uncertain significance.